The following is an entry in ClinVar:

NM_017617.5(NOTCH1):c.2013A>C (p.Thr671=)

Gene: NOTCH1 (notch receptor 1; minus strand). Cytogenetic location: 9q34.3.
Variant type: single nucleotide variant.
Coding change: c.2013A>C on transcript NM_017617.5 (MANE Select); coding-DNA position 2013, A replaced by C.
Protein change: p.Thr671=; no amino-acid change (threonine 671 retained).
Molecular consequence: synonymous variant.
Genome position (GRCh38, 1-based): chr9:136,515,291, T>G on the plus strand (A>C on the coding strand, the complement: NOTCH1 is on the minus strand). VCF-style: chr9-136515291-T-G. GRCh37 (hg19) VCF-style: chr9-139409743-T-G.
Identifiers: ClinVar variation 3647833 (VCV003647833.2).

ClinVar aggregate classification (germline): Uncertain significance (1 of 4 stars; one submission).

Conditions:
Adams-Oliver syndrome 5 (AOS5). Identifiers: Orphanet 974, MedGen C4014970, MONDO:0014459, OMIM 616028.

Submission:

Labcorp Genetics (formerly Invitae), Labcorp
Classification: Uncertain significance for Adams-Oliver syndrome 5. Last evaluated: 2024-03-27. Review status: criteria provided, single submitter. Criteria: Invitae Variant Classification Sherloc (09022015). Collection method: clinical testing. Allele origin: germline.
Comment: This sequence change affects codon 671 of the NOTCH1 mRNA. It is a 'silent' change, meaning that it does not change the encoded amino acid sequence of the NOTCH1 protein. It affects a nucleotide within the consensus splice site. This variant is not present in population databases (gnomAD no frequency). This variant has not been reported in the literature in individuals affected with NOTCH1-related conditions. Algorithms developed to predict the effect of sequence changes on RNA splicing suggest that this variant may create or strengthen a splice site. In summary, the available evidence is currently insufficient to determine the role of this variant in disease. Therefore, it has been classified as a Variant of Uncertain Significance.